The following is an entry in ClinVar:

ClinVar aggregate classification (germline): Uncertain significance. Review status: criteria provided, multiple submitters, no conflicts (2 of 4 stars). 6 submissions from 6 submitters: Uncertain significance (5). 1 of the submissions does not count toward it. Last evaluated 2025-08-26.

Conditions:
Alagille syndrome due to a JAG1 point mutation. Also called: Alagille Syndrome 1; HEPATIC DUCTULAR HYPOPLASIA, SYNDROMATIC; JAG1-Related Alagille Syndrome. Identifiers: Orphanet 261619, Orphanet 52, MedGen C1956125, MONDO:0016862, OMIM 118450.
Cardiovascular phenotype. Identifiers: MedGen CN230736.
JAG1-related disorder. Also called: JAG1-related condition; JAG1-related disorders.

Allele frequency attached by ClinVar (database versions not stated): gnomAD exomes below 0.00001 and 0.00002; gnomAD 0.00001 and 0.00002; TOPMed 0.00002.
gnomAD v4.1: 39 of 1,614,018 alleles (0.0024%); highest among the groups gnomAD compares: Middle Eastern, 0.016%; 1 homozygote.

Submissions (6):

Labcorp Genetics (formerly Invitae), Labcorp
Classification: Uncertain significance for Alagille syndrome due to a JAG1 point mutation. Last evaluated: 2025-08-26. Review status: criteria provided, single submitter. Criteria: Invitae Variant Classification Sherloc (09022015). Collection method: clinical testing. Allele origin: germline.
Comment: This sequence change replaces valine, which is neutral and non-polar, with glutamic acid, which is acidic and polar, at codon 798 of the JAG1 protein (p.Val798Glu). This variant is present in population databases (no rsID available, gnomAD 0.002%). This missense change has been observed in individual(s) with Alagille syndrome, in combination with a pathogenic variant, therefore, the role of this variant in this condition is unclear (internal data). ClinVar contains an entry for this variant (Variation ID: 566712). Invitae Evidence Modeling of protein sequence and biophysical properties (such as structural, functional, and spatial information, amino acid conservation, physicochemical variation, residue mobility, and thermodynamic stability) has been performed for this missense variant. However, the output from this modeling did not meet the statistical confidence thresholds required to predict the impact of this variant on JAG1 protein function. In summary, the available evidence is currently insufficient to determine the role of this variant in disease. Therefore, it has been classified as a Variant of Uncertain Significance.

Blueprint Genetics
Classification: Uncertain significance. Last evaluated: 2024-04-05. Review status: criteria provided, single submitter. Criteria: ACMG Guidelines, 2015. Collection method: clinical testing. Allele origin: germline.

AiLife Diagnostics
Classification: Uncertain significance. Last evaluated: 2022-02-10. Review status: criteria provided, single submitter. Criteria: ACMG Guidelines, 2015. Collection method: clinical testing. Allele origin: germline. Affected: yes. Observed: 2 variant alleles.

Eurofins Ntd Llc (ga)
Classification: Uncertain significance. Last evaluated: 2018-07-13. Review status: criteria provided, single submitter. Criteria: EGL ClinVar v180209 classification definitions. Collection method: clinical testing. Allele origin: germline. Observed: 1 variant allele, 1 heterozygote.

Ambry Genetics
Classification: Uncertain significance for Cardiovascular phenotype. Last evaluated: 2014-08-11. Review status: criteria provided, single submitter. Criteria: Ambry Variant Classification Scheme 2023. Collection method: clinical testing. Allele origin: germline.
Comment: The p.V798E variant (also known as c.2393T>A), located in coding exon 20 of the JAG1 gene, results from a T to A substitution at nucleotide position 2393. The valine at codon 798 is replaced by glutamic acid, an amino acid with dissimilar properties. This variant was not reported in population based cohorts in the following databases: Database of Single Nucleotide Polymorphisms (dbSNP), NHLBI Exome Sequencing Project (ESP), and 1000 Genomes Project. In the ESP, this variant was not observed in 6503 samples (13006 alleles) with coverage at this position. This amino acid position is highly conserved in available vertebrate species. In addition, this alteration is predicted to be deleterious by in silico analysis. Since supporting evidence is limited at this time, the clinical significance of this variant remains unclear.

PreventionGenetics, part of Exact Sciences
Classification: Uncertain significance for JAG1-related condition. Last evaluated: 2024-01-05. Review status: no assertion criteria provided. Collection method: clinical testing. Allele origin: germline. Not counted in ClinVar's aggregate classification.
Comment: The JAG1 c.2393T>A variant is predicted to result in the amino acid substitution p.Val798Glu. To our knowledge, this variant has not been reported in the literature. This variant is reported in 0.0015% of alleles in individuals of European (Non-Finnish) descent in gnomAD. At this time, the clinical significance of this variant is uncertain due to the absence of conclusive functional and genetic evidence.

NM_000214.3(JAG1):c.2393T>A (p.Val798Glu)

Gene: JAG1 (jagged canonical Notch ligand 1; minus strand). Cytogenetic location: 20p12.2.
Variant type: single nucleotide variant.
Coding change: c.2393T>A on transcript NM_000214.3 (MANE Select); coding-DNA position 2393, T replaced by A.
Protein change: p.Val798Glu; replaces valine 798 with glutamic acid.
Molecular consequence: missense variant.
Genome position (GRCh38, 1-based): chr20:10,643,843, A>T on the plus strand (T>A on the coding strand, the complement: JAG1 is on the minus strand). VCF-style: chr20-10643843-A-T. GRCh37 (hg19) VCF-style: chr20-10624491-A-T.
Other names: c.2393T>A, p.Val798Glu (LRG_1191t1); short protein forms V798E.
Identifiers: ClinVar variation 566712 (VCV000566712.19), dbSNP rs1308346607, ClinGen allele CA408234698.